The following is an entry in ClinVar:

NM_000540.3(RYR1):c.8949T>C (p.Ser2983=)

Gene: RYR1 (ryanodine receptor 1; plus strand). Cytogenetic location: 19q13.2.
Variant type: single nucleotide variant.
Coding change: c.8949T>C on transcript NM_000540.3 (MANE Select); coding-DNA position 8949, T replaced by C.
Protein change: p.Ser2983=; no amino-acid change (serine 2983 retained).
Molecular consequence: synonymous variant.
Genome position (GRCh38, 1-based): chr19:38,510,514, T>C. VCF-style: chr19-38510514-T-C. GRCh37 (hg19) VCF-style: chr19-39001154-T-C.
Other names: c.8949T>C, p.Ser2983= (NM_001042723.2).
Identifiers: ClinVar variation 93305 (VCV000093305.30), dbSNP rs116537677, ClinGen allele CA024956.
Genomic context (GRCh38, chr19:38,510,514, plus strand): 5'-CCCAGCCTTGAACCCACTGTGAACCCTATTTGCCCTCCCTACAGAGGCTGTGGTCAGCAG[T>C]GGGCGAGTGGAAAAGTCCCCACATGAACAGGAGATTAAATTCTTTGCCAAGGTGAGAGGT-3'
Protein context (NP_000531.2, residues 2973-2993): FIAHLEAVVS[Ser2983=]GRVEKSPHEQ

ClinVar aggregate classification (germline): Benign/Likely benign. Review status: criteria provided, multiple submitters, no conflicts (2 of 4 stars). 8 submissions from 8 submitters: Benign (5); Likely benign (3). Last evaluated 2026-08-01.

Conditions:
RYR1-related disorder. Also called: RYR1-related condition; RYR1-related disorders. Identifiers: MedGen CN239331.
Malignant hyperthermia, susceptibility to, 1 (MHS1). Also called: Anesthesia related hyperthermia; Malignant hyperpyrexia; Fulminating hyperpyrexia; Pharmacogenic myopathy; RYR1-Related Malignant Hyperthermia Susceptibility; Malignant hyperthermia suceptibility 1. Identifiers: Orphanet 423, MedGen C2930980, MONDO:0007783, OMIM 145600.

Allele frequency attached by ClinVar (database versions not stated): gnomAD exomes 0.00037 and 0.00098; ExAC 0.00120; 1000 Genomes Project 0.00319; 1000 Genomes Project 30x 0.00328; gnomAD 0.00393 and 0.00415; TOPMed 0.00428; ESP Exome Variant Server 0.00515.
gnomAD v4.1: 1,153 of 1,614,184 alleles (0.071%); highest among the groups gnomAD compares: African/African-American, 1.4%; 6 homozygotes.

Submissions (8):

CeGaT Center for Human Genetics Tuebingen
Classification: Likely benign. Last evaluated: 2026-08-01. Review status: criteria provided, single submitter. Criteria: CeGaT Center For Human Genetics Tuebingen Variant Classification Criteria Version 2. Collection method: clinical testing. Allele origin: germline. Affected: yes. Observed: 4 variant alleles.
Comment: RYR1: BP4, BP7, BS1

Labcorp Genetics (formerly Invitae), Labcorp
Classification: Benign for RYR1-related disorder. Last evaluated: 2026-01-28. Review status: criteria provided, single submitter. Criteria: Invitae Variant Classification Sherloc (09022015). Collection method: clinical testing. Allele origin: germline.

Blueprint Genetics
Classification: Likely benign. Last evaluated: 2024-10-09. Review status: criteria provided, single submitter. Criteria: ACMG Guidelines, 2015. Collection method: clinical testing. Allele origin: germline.

Color Diagnostics, LLC DBA Color Health
Classification: Benign for Malignant hyperthermia, susceptibility to, 1. Last evaluated: 2022-10-17. Review status: criteria provided, single submitter. Criteria: ACMG Guidelines, 2015. Collection method: clinical testing. Allele origin: germline.

PreventionGenetics, part of Exact Sciences
Classification: Benign. Last evaluated: 2018-04-02. Review status: criteria provided, single submitter. Criteria: ACMG Guidelines, 2015. Collection method: clinical testing. Allele origin: germline.

GeneDx
Classification: Benign. Last evaluated: 2018-01-26. Review status: criteria provided, single submitter. Criteria: GeneDx Variant Classification (06012015). Collection method: clinical testing. Allele origin: germline. Affected: yes.
Comment: This variant is considered likely benign or benign based on one or more of the following criteria: it is a conservative change, it occurs at a poorly conserved position in the protein, it is predicted to be benign by multiple in silico algorithms, and/or has population frequency not consistent with disease.

Eurofins Ntd Llc (ga)
Classification: Benign. Last evaluated: 2013-07-31. Review status: criteria provided, single submitter. Criteria: EGL Classification Definitions 2015. Collection method: clinical testing. Allele origin: germline. Observed: 3 variant alleles, 3 heterozygotes.

Breakthrough Genomics
Classification: Likely benign. Review status: criteria provided, single submitter. Criteria: ACMG Guidelines, 2015. Collection method: not provided. Allele origin: germline. Inheritance: Autosomal recessive inheritance. Affected: yes.